The following is an entry in ClinVar:

NM_020975.6(RET):c.855C>A (p.Phe285Leu)

Gene: RET (ret proto-oncogene; plus strand). Cytogenetic location: 10q11.21.
Variant type: single nucleotide variant.
Coding change: c.855C>A on transcript NM_020975.6 (MANE Select); coding-DNA position 855, C replaced by A.
Protein change: p.Phe285Leu; replaces phenylalanine 285 with leucine.
Molecular consequence: missense variant.
Genome position (GRCh38, 1-based): chr10:43,105,181, C>A. VCF-style: chr10-43105181-C-A. GRCh37 (hg19) VCF-style: chr10-43600629-C-A.
Other names: c.855C>A, p.Phe285Leu (NM_000323.2, NM_001406743.1, NM_001406744.1 and 8 more transcripts); c.93C>A, p.Phe31Leu (NM_001355216.2); c.726C>A, p.Phe242Leu (NM_001406761.1, NM_001406762.1, NM_001406764.1 and 2 more transcripts); c.567C>A, p.Phe189Leu (NM_001406766.1, NM_001406767.1, NM_001406770.1); short protein forms F285L, F242L, F31L, F189L.
Identifiers: ClinVar variation 1763844 (VCV001763844.2), dbSNP rs778909045, ClinGen allele CA376545392.

ClinVar aggregate classification (germline): Uncertain significance (1 of 4 stars; one submission).

Conditions:
Hereditary cancer-predisposing syndrome. Also called: Neoplastic Syndromes, Hereditary; Tumor predisposition; Hereditary Cancer Syndrome; Hereditary neoplastic syndrome. Identifiers: Orphanet 140162, MedGen C0027672, MeSH D009386, MONDO:0015356.

gnomAD v4.1: 1 of 1,612,874 alleles (0.000062%); highest among the groups gnomAD compares: Non-Finnish European, 0.000085%; no homozygotes.

Submission:

Ambry Genetics
Classification: Uncertain significance for Hereditary cancer-predisposing syndrome. Last evaluated: 2022-08-09. Review status: criteria provided, single submitter. Criteria: Ambry Variant Classification Scheme 2023. Collection method: clinical testing. Allele origin: germline.
Comment: The p.F285L variant (also known as c.855C>A), located in coding exon 4 of the RET gene, results from a C to A substitution at nucleotide position 855. The phenylalanine at codon 285 is replaced by leucine, an amino acid with highly similar properties. This amino acid position is conserved. In addition, the in silico prediction for this alteration is inconclusive. Since supporting evidence is limited at this time, the clinical significance of this alteration remains unclear.